The following is an entry in ClinVar:

NM_014283.5(SUCO):c.3224C>A (p.Pro1075Gln)

Gene: SUCO (SUN domain containing ossification factor; plus strand). Cytogenetic location: 1q24.3.
Variant type: single nucleotide variant.
Coding change: c.3224C>A on transcript NM_014283.5 (MANE Select); coding-DNA position 3224, C replaced by A.
Protein change: p.Pro1075Gln; replaces proline 1075 with glutamine.
Molecular consequence: missense variant.
Genome position (GRCh38, 1-based): chr1:172,602,746, C>A. VCF-style: chr1-172602746-C-A. GRCh37 (hg19) VCF-style: chr1-172571886-C-A.
Other names: c.2111C>A, p.Pro704Gln (NM_001282750.2); c.1535C>A, p.Pro512Gln (NM_001282751.2); c.3677C>A, p.Pro1226Gln (NM_016227.4); short protein forms P1226Q, P704Q, P512Q, P1075Q.
Identifiers: ClinVar variation 3699532 (VCV003699532.2).

ClinVar aggregate classification (germline): Uncertain significance (1 of 4 stars; one submission).

Submission:

Labcorp Genetics (formerly Invitae), Labcorp
Classification: Uncertain significance. Last evaluated: 2025-06-04. Review status: criteria provided, single submitter. Criteria: Invitae Variant Classification Sherloc (09022015). Collection method: clinical testing. Allele origin: germline.
Comment: This sequence change replaces proline, which is neutral and non-polar, with glutamine, which is neutral and polar, at codon 1075 of the SUCO protein (p.Pro1075Gln). This variant is present in population databases (rs781741755, gnomAD no frequency). This variant has not been reported in the literature in individuals affected with SUCO-related conditions. ClinVar contains an entry for this variant (Variation ID: 3699532). An algorithm developed to predict the effect of missense changes on protein structure and function (PolyPhen-2) suggests that this variant is likely to be disruptive. In summary, the available evidence is currently insufficient to determine the role of this variant in disease. Therefore, it has been classified as a Variant of Uncertain Significance.